The following is an entry in ClinVar:

NM_000334.4(SCN4A):c.841G>A (p.Val281Met)

Gene: SCN4A (sodium voltage-gated channel alpha subunit 4; minus strand). Cytogenetic location: 17q23.3.
Variant type: single nucleotide variant.
Coding change: c.841G>A on transcript NM_000334.4 (MANE Select); coding-DNA position 841, G replaced by A.
Protein change: p.Val281Met; replaces valine 281 with methionine.
Molecular consequence: missense variant.
Genome position (GRCh38, 1-based): chr17:63,968,218, C>T on the plus strand (G>A on the coding strand, the complement: SCN4A is on the minus strand). VCF-style: chr17-63968218-C-T. GRCh37 (hg19) VCF-style: chr17-62045578-C-T.
Other names: short protein forms V281M.
Identifiers: ClinVar variation 1054299 (VCV001054299.12), dbSNP rs370289618, ClinGen allele CA8710027.
Genomic context (GRCh38, chr17:63,968,218, plus strand): 5'-ACCACGTGTCATTGCTGTACCACGTGGTGTTGGTGTCGTTGAACGGCGGGGGCCAGCGCA[C>T]ACACTTCTGCCTCAGGTTTCCCATGAAGAGCTGCAGTCCTACCAGCGCAAAGACGCTCAG-3'
Protein context (NP_000325.4, residues 271-291): LFMGNLRQKC[Val281Met]RWPPPFNDTN

ClinVar aggregate classification (germline): Uncertain significance. Review status: criteria provided, multiple submitters, no conflicts (2 of 4 stars). 4 submissions from 4 submitters: Uncertain significance (4). Last evaluated 2025-10-27.

Conditions:
Paramyotonia congenita of Von Eulenburg. Also called: PARALYSIS PERIODICA PARAMYOTONICA; Paramyotonia Congenita; Eulenburg disease; Myotonia congenita intermittens; Von Eulenburg paramyotonia congenita. Identifiers: Orphanet 684, MedGen C0221055, MONDO:0008195, OMIM 168300. Disease mechanism: loss of function.
Congenital myasthenic syndrome 16. Identifiers: Orphanet 590, MedGen C3280112, MONDO:0013620, OMIM 614198.
Congenital myopathy 22A, classic (CMYO22A). Identifiers: MedGen C5830453, MONDO:0957247, OMIM 620351.
Congenital myopathy 22B, severe fetal (CMYO22B). Identifiers: MedGen C5830501, MONDO:0957265, OMIM 620369.
Potassium-aggravated myotonia. Also called: MYOTONIA CONGENITA, ACETAZOLAMIDE-RESPONSIVE; MYOTONIA CONGENITA, ATYPICAL; SODIUM CHANNEL MUSCLE DISEASE; Myotonia congenita, atypical, acetazolamide-responsive. Identifiers: Orphanet 612, Orphanet 99734, Orphanet 99735, Orphanet 99736, MedGen C2931826, MONDO:0018959, OMIM 608390.
Hyperkalemic periodic paralysis. Also called: Familial hyperkalemic periodic paralysis; Gamstorp disease. Identifiers: Orphanet 682, MedGen C0238357, MONDO:0008224, OMIM 170500, HP:0007215.
Hypokalemic periodic paralysis, type 2 (HOKPP2). Identifiers: Orphanet 681, MedGen C2750061, MONDO:0013234, OMIM 613345.
Inborn genetic diseases. Identifiers: MedGen C0950123, MeSH D030342.

Allele frequency attached by ClinVar (database versions not stated): TOPMed 0.00012; 1000 Genomes Project 0.00020; 1000 Genomes Project 30x 0.00031; gnomAD exomes below 0.00001 and 0.00001; gnomAD 0.00007 and 0.00009; ESP Exome Variant Server 0.00015; ExAC 0.00002.
gnomAD v4.1: 24 of 1,614,048 alleles (0.0015%); highest among the groups gnomAD compares: Admixed American, 0.01%; no homozygotes.

Submissions (4):

Labcorp Genetics (formerly Invitae), Labcorp
Classification: Uncertain significance for Hyperkalemic periodic paralysis. Last evaluated: 2025-10-27. Review status: criteria provided, single submitter. Criteria: Invitae Variant Classification Sherloc (09022015). Collection method: clinical testing. Allele origin: germline.
Comment: This sequence change replaces valine, which is neutral and non-polar, with methionine, which is neutral and non-polar, at codon 281 of the SCN4A protein (p.Val281Met). This variant is present in population databases (rs370289618, gnomAD 0.02%). This variant has not been reported in the literature in individuals affected with SCN4A-related conditions. ClinVar contains an entry for this variant (Variation ID: 1054299). Invitae Evidence Modeling of protein sequence and biophysical properties (such as structural, functional, and spatial information, amino acid conservation, physicochemical variation, residue mobility, and thermodynamic stability) has been performed for this missense variant. However, the output from this modeling did not meet the statistical confidence thresholds required to predict the impact of this variant on SCN4A protein function. In summary, the available evidence is currently insufficient to determine the role of this variant in disease. Therefore, it has been classified as a Variant of Uncertain Significance.

Fulgent Genetics
Classification: Uncertain significance for Paramyotonia congenita of Von Eulenburg; Hyperkalemic periodic paralysis; Potassium-aggravated myotonia; Hypokalemic periodic paralysis, type 2; Congenital myasthenic syndrome 16; Congenital myopathy 22A, classic; Congenital myopathy 22B, severe fetal. Last evaluated: 2024-03-11. Review status: criteria provided, single submitter. Criteria: ACMG Guidelines, 2015. Collection method: clinical testing. Allele origin: germline.

Ambry Genetics
Classification: Uncertain significance for Inborn genetic diseases. Last evaluated: 2022-06-27. Review status: criteria provided, single submitter. Criteria: Ambry Variant Classification Scheme 2023. Collection method: clinical testing. Allele origin: germline.

Revvity Omics, Revvity
Classification: Uncertain significance. Last evaluated: 2021-03-20. Review status: criteria provided, single submitter. Criteria: ACMG Guidelines, 2015. Collection method: clinical testing. Allele origin: germline.